The following is an entry in ClinVar:

ClinVar aggregate classification (germline): Likely pathogenic (1 of 4 stars; one submission).

Conditions:
JAG1-related disorder. Also called: JAG1-related condition; JAG1-related disorders.

Submission:

PreventionGenetics, part of Exact Sciences
Classification: Likely pathogenic for JAG1-related condition. Last evaluated: 2023-06-02. Review status: criteria provided, single submitter. Criteria: ACMG Guidelines, 2015. Collection method: clinical testing. Allele origin: germline.
Comment: The JAG1 c.172dupG variant is predicted to result in a frameshift and premature protein termination (p.Ala58Glyfs*15). To our knowledge, this variant has not been reported in the literature or in a large population database, indicating this variant is rare. Frameshift variants in JAG1 are expected to be pathogenic. This variant is interpreted as likely pathogenic.

NM_000214.3(JAG1):c.172dup (p.Ala58fs)

Gene: JAG1 (jagged canonical Notch ligand 1; minus strand). Cytogenetic location: 20p12.2.
Variant type: Duplication.
Coding change: c.172dup on transcript NM_000214.3 (MANE Select); coding-DNA position 172, one base duplicated (G; older notation c.172dupG).
Protein change: p.Ala58fs; shifts the reading frame from alanine 58.
Molecular consequence: frameshift variant.
Genome position (GRCh38, 1-based): chr20:10,672,916, C duplicated on the plus strand (G on the coding strand, the reverse complement: JAG1 is on the minus strand). VCF-style (leftmost placement, unchanged base first): chr20-10672915-G-GC. GRCh37 (hg19) VCF-style: chr20-10653563-G-GC.
Other names: short protein forms A58fs.
Identifiers: ClinVar variation 2632304 (VCV002632304.1), dbSNP rs2514538027, ClinGen allele CA2695201378.